The following is an entry in ClinVar:

ClinVar aggregate classification (germline): Uncertain significance. Review status: criteria provided, multiple submitters, no conflicts (2 of 4 stars). 2 submissions from 2 submitters: Uncertain significance (2). Last evaluated 2024-09-04.

Conditions:
Inborn genetic diseases. Identifiers: MedGen C0950123, MeSH D030342.

Submissions (2):

Labcorp Genetics (formerly Invitae), Labcorp
Classification: Uncertain significance. Last evaluated: 2024-09-04. Review status: criteria provided, single submitter. Criteria: Invitae Variant Classification Sherloc (09022015). Collection method: clinical testing. Allele origin: germline.
Comment: This sequence change replaces glycine, which is neutral and non-polar, with arginine, which is basic and polar, at codon 3533 of the DNAH9 protein (p.Gly3533Arg). This variant is not present in population databases (gnomAD no frequency). This variant has not been reported in the literature in individuals affected with DNAH9-related conditions. Invitae Evidence Modeling of protein sequence and biophysical properties (such as structural, functional, and spatial information, amino acid conservation, physicochemical variation, residue mobility, and thermodynamic stability) indicates that this missense variant is expected to disrupt DNAH9 protein function with a positive predictive value of 80%. In summary, the available evidence is currently insufficient to determine the role of this variant in disease. Therefore, it has been classified as a Variant of Uncertain Significance.

Ambry Genetics
Classification: Uncertain significance for Inborn genetic diseases. Last evaluated: 2024-05-08. Review status: criteria provided, single submitter. Criteria: Ambry Variant Classification Scheme 2023. Collection method: clinical testing. Allele origin: germline.

NM_001372.4(DNAH9):c.10597G>A (p.Gly3533Arg)

Genes: DNAH9 (dynein axonemal heavy chain 9; plus strand), LOC101928350 (uncharacterized LOC101928350; minus strand). Cytogenetic location: 17p12.
Variant type: single nucleotide variant.
Coding change: c.10597G>A on transcript NM_001372.4 (MANE Select); coding-DNA position 10597, G replaced by A.
Protein change: p.Gly3533Arg; replaces glycine 3533 with arginine.
Molecular consequence: missense variant.
Genome position (GRCh38, 1-based): chr17:11,880,196, G>A. VCF-style: chr17-11880196-G-A. GRCh37 (hg19) VCF-style: chr17-11783513-G-A.
Other names: short protein forms G3533R.
Identifiers: ClinVar variation 3272969 (VCV003272969.3).